The following is an entry in ClinVar:

NM_000179.3(MSH6):c.3443G>A (p.Gly1148Asp)

Gene: MSH6 (mutS homolog 6; plus strand). Cytogenetic location: 2p16.3.
Variant type: single nucleotide variant.
Coding change: c.3443G>A on transcript NM_000179.3 (MANE Select); coding-DNA position 3443, G replaced by A.
Protein change: p.Gly1148Asp; replaces glycine 1148 with aspartic acid.
Molecular consequence: missense variant.
Genome position (GRCh38, 1-based): chr2:47,804,914, G>A. VCF-style: chr2-47804914-G-A. GRCh37 (hg19) VCF-style: chr2-48032053-G-A.
Other names: c.3053G>A, p.Gly1018Asp (NM_001281492.2); c.2537G>A, p.Gly846Asp (NM_001281493.2, NM_001281494.2); short protein forms G1018D, G846D, G1148D.
Identifiers: ClinVar variation 1035478 (VCV001035478.11), dbSNP rs763058648, ClinGen allele CA346759927.
Genomic context (GRCh38, chr2:47,804,914, plus strand): 5'-AGTTTATGAAACTGTTACTACCAGTCATAAAAGACCTTTTCCTCCCTCATTCACAGGCTG[G>A]CTTATTAGCTGTAATGGCCCAGATGGGTTGTTACGTCCCTGCTGAAGTGTGCAGGCTCAC-3'
Protein context (NP_000170.1, residues 1138-1158): GGKSTLMRQA[Gly1148Asp]LLAVMAQMGC

ClinVar aggregate classification (germline): Uncertain significance. Review status: criteria provided, multiple submitters, no conflicts (2 of 4 stars). 2 submissions from 2 submitters: Uncertain significance (2). Last evaluated 2025-11-22.

Conditions:
Mismatch repair cancer syndrome 3. Identifiers: MedGen C5436807, MONDO:0030841, OMIM 619097.
Hereditary nonpolyposis colorectal neoplasms. Identifiers: MedGen C0009405, MeSH D003123.

Submissions (2):

Labcorp Genetics (formerly Invitae), Labcorp
Classification: Uncertain significance for Hereditary nonpolyposis colorectal neoplasms. Last evaluated: 2025-11-22. Review status: criteria provided, single submitter. Criteria: Invitae Variant Classification Sherloc (09022015). Collection method: clinical testing. Allele origin: germline.
Comment: This sequence change replaces glycine, which is neutral and non-polar, with aspartic acid, which is acidic and polar, at codon 1148 of the MSH6 protein (p.Gly1148Asp). This variant is not present in population databases (gnomAD no frequency). This variant has not been reported in the literature in individuals affected with MSH6-related conditions. ClinVar contains an entry for this variant (Variation ID: 1035478). Invitae Evidence Modeling of protein sequence and biophysical properties (such as structural, functional, and spatial information, amino acid conservation, physicochemical variation, residue mobility, and thermodynamic stability) has been performed for this missense variant. However, the output from this modeling did not meet the statistical confidence thresholds required to predict the impact of this variant on MSH6 protein function. In summary, the available evidence is currently insufficient to determine the role of this variant in disease. Therefore, it has been classified as a Variant of Uncertain Significance.

3billion
Classification: Uncertain significance for Mismatch repair cancer syndrome 3. Last evaluated: 2023-06-01. Review status: criteria provided, single submitter. Criteria: ACMG Guidelines, 2015. Collection method: clinical testing. Allele origin: germline. Affected: yes.
Comment: The variant is not observed in the gnomAD v2.1.1 dataset. Predicted Consequence/Location: Missense variant In silico tool predictions suggest damaging effect of the variant on gene or gene product (REVEL: 0.85; 3Cnet: 0.90). Therefore, this variant is classified as VUS according to the recommendation of ACMG/AMP guideline.